The following is an entry in ClinVar:

ClinVar aggregate classification (germline): Uncertain significance (1 of 4 stars; one submission).

gnomAD v4.1: 1 of 1,614,012 alleles (0.000062%); highest among the groups gnomAD compares: Non-Finnish European, 0.000085%; no homozygotes.

Submission:

Labcorp Genetics (formerly Invitae), Labcorp
Classification: Uncertain significance. Last evaluated: 2025-01-01. Review status: criteria provided, single submitter. Criteria: Invitae Variant Classification Sherloc (09022015). Collection method: clinical testing. Allele origin: germline.
Comment: This sequence change replaces aspartic acid, which is acidic and polar, with glycine, which is neutral and non-polar, at codon 358 of the HTRA1 protein (p.Asp358Gly). This variant is not present in population databases (gnomAD no frequency). This variant has not been reported in the literature in individuals affected with HTRA1-related conditions. Invitae Evidence Modeling of protein sequence and biophysical properties (such as structural, functional, and spatial information, amino acid conservation, physicochemical variation, residue mobility, and thermodynamic stability) has been performed for this missense variant. However, the output from this modeling did not meet the statistical confidence thresholds required to predict the impact of this variant on HTRA1 protein function. Algorithms developed to predict the effect of sequence changes on RNA splicing suggest that this variant may disrupt the consensus splice site. In summary, the available evidence is currently insufficient to determine the role of this variant in disease. Therefore, it has been classified as a Variant of Uncertain Significance.

NM_002775.5(HTRA1):c.1073A>G (p.Asp358Gly)

Gene: HTRA1 (HtrA serine peptidase 1; plus strand). Cytogenetic location: 10q26.13.
Variant type: single nucleotide variant.
Coding change: c.1073A>G on transcript NM_002775.5 (MANE Select); coding-DNA position 1073, A replaced by G.
Protein change: p.Asp358Gly; replaces aspartic acid 358 with glycine.
Molecular consequence: missense variant.
Genome position (GRCh38, 1-based): chr10:122,508,723, A>G. VCF-style: chr10-122508723-A-G. GRCh37 (hg19) VCF-style: chr10-124268239-A-G.
Other names: short protein forms D358G.
Identifiers: ClinVar variation 3720402 (VCV003720402.2).